The following is an entry in ClinVar:

NM_032638.5(GATA2):c.25C>T (p.Arg9Cys)

Gene: GATA2 (GATA binding protein 2; minus strand). Cytogenetic location: 3q21.3.
Variant type: single nucleotide variant.
Coding change: c.25C>T on transcript NM_032638.5 (MANE Select); coding-DNA position 25, C replaced by T.
Protein change: p.Arg9Cys; replaces arginine 9 with cysteine.
Molecular consequence: missense variant.
Genome position (GRCh38, 1-based): chr3:128,487,007, G>A on the plus strand (C>T on the coding strand, the complement: GATA2 is on the minus strand). VCF-style: chr3-128487007-G-A. GRCh37 (hg19) VCF-style: chr3-128205850-G-A.
Other names: c.25C>T (NM_032638.4); c.25C>T, p.Arg9Cys (NM_001145661.2, NM_001145662.1); short protein forms R9C.
Identifiers: ClinVar variation 1051977 (VCV001051977.11), dbSNP rs1436974541, ClinGen allele CA354409261.

ClinVar aggregate classification (germline): Uncertain significance (1 of 4 stars; one submission).

Conditions:
Deafness-lymphedema-leukemia syndrome. Also called: Emberger syndrome; Lymphedema, primary, with myelodysplasia. Identifiers: Orphanet 3226, MedGen C3279664, MONDO:0013540, OMIM 614038.
Monocytopenia with susceptibility to infections. Also called: MONOCYTOPENIA AND MYCOBACTERIAL INFECTION SYNDROME; MONOCYTOPENIA WITH SUSCEPTIBILITY TO MYCOBACTERIAL, FUNGAL, AND PAPILLOMAVIRUS INFECTIONS AND MYELODYSPLASIA; COMBINED IMMUNODEFICIENCY WITH SUSCEPTIBILITY TO MYCOBACTERIAL, VIRAL, AND FUNGAL INFECTIONS; Dendritic cell, monocyte, B lymphocyte, and natural killer lymphocyte deficiency; IMMUNODEFICIENCY 21; GATA2 DEFICIENCY. Identifiers: Orphanet 228423, MedGen C3280030, MONDO:0013607, OMIM 614172.

Allele frequency attached by ClinVar (database versions not stated): gnomAD exomes below 0.00001.
gnomAD v4.1: 5 of 1,598,606 alleles (0.00031%); highest among the groups gnomAD compares: Non-Finnish European, 0.00043%; no homozygotes.

Submission:

Labcorp Genetics (formerly Invitae), Labcorp
Classification: Uncertain significance for Monocytopenia with susceptibility to infections; Deafness-lymphedema-leukemia syndrome. Last evaluated: 2020-08-14. Review status: criteria provided, single submitter. Criteria: Invitae Variant Classification Sherloc (09022015). Collection method: clinical testing. Allele origin: germline.
Comment: In summary, the available evidence is currently insufficient to determine the role of this variant in disease. Therefore, it has been classified as a Variant of Uncertain Significance. Advanced modeling of protein sequence and biophysical properties (such as structural, functional, and spatial information, amino acid conservation, physicochemical variation, residue mobility, and thermodynamic stability) performed at Invitae indicates that this missense variant is expected to disrupt GATA2 protein function. This variant has not been reported in the literature in individuals with GATA2-related conditions. This variant is not present in population databases (ExAC no frequency). This sequence change replaces arginine with cysteine at codon 9 of the GATA2 protein (p.Arg9Cys). The arginine residue is moderately conserved and there is a large physicochemical difference between arginine and cysteine.